The following is an entry in ClinVar:

NM_005465.7(AKT3):c.250G>A (p.Glu84Lys)

Gene: AKT3 (AKT serine/threonine kinase 3; minus strand). Cytogenetic location: 1q44.
Variant type: single nucleotide variant.
Coding change: c.250G>A on transcript NM_005465.7 (MANE Select); coding-DNA position 250, G replaced by A.
Protein change: p.Glu84Lys; replaces glutamic acid 84 with lysine.
Molecular consequence: missense variant.
Genome position (GRCh38, 1-based): chr1:243,664,806, C>T on the plus strand (G>A on the coding strand, the complement: AKT3 is on the minus strand). VCF-style: chr1-243664806-C-T. GRCh37 (hg19) VCF-style: chr1-243828108-C-T.
Other names: c.250G>A, p.Glu84Lys (NM_001206729.2, NM_001370074.1, NM_181690.2); short protein forms E84K.
Identifiers: ClinVar variation 3344347 (VCV003344347.1).

ClinVar aggregate classification (germline): Uncertain significance (0 of 4 stars; one submission).

Conditions:
AKT3-related disorder. Also called: AKT3-related condition.

Submission:

PreventionGenetics, part of Exact Sciences
Classification: Uncertain significance for AKT3-related condition. Last evaluated: 2024-09-03. Review status: no assertion criteria provided. Collection method: clinical testing. Allele origin: germline.
Comment: The AKT3 c.250G>A variant is predicted to result in the amino acid substitution p.Glu84Lys. To our knowledge, this variant has not been reported in the literature or in a large population database, indicating this variant is rare. At this time, the clinical significance of this variant is uncertain due to the absence of conclusive functional and genetic evidence.